The following is an entry in ClinVar:

ClinVar aggregate classification (germline): Conflicting classifications of pathogenicity. Review status: criteria provided, conflicting classifications (1 of 4 stars). 2 submissions from 2 submitters: Uncertain significance (1); Likely benign (1). Last evaluated 2024-08-21.

Conditions:
Landau-Kleffner syndrome (FESD). Also called: EPILEPSY, FOCAL, WITH SPEECH DISORDER AND WITH OR WITHOUT MENTAL RETARDATION; APHASIA, ACQUIRED, WITH EPILEPSY. Identifiers: Orphanet 1945, Orphanet 725, Orphanet 98818, MedGen C0282512, MONDO:0009509, OMIM 245570.

Allele frequency attached by ClinVar (database versions not stated): TOPMed 0.00001; ESP Exome Variant Server 0.00008.
gnomAD v4.1: 54 of 1,614,040 alleles (0.0033%); highest among the groups gnomAD compares: Non-Finnish European, 0.0044%; no homozygotes.

Submissions (2):

Labcorp Genetics (formerly Invitae), Labcorp
Classification: Likely benign for Landau-Kleffner syndrome. Last evaluated: 2024-08-21. Review status: criteria provided, single submitter. Criteria: Invitae Variant Classification Sherloc (09022015). Collection method: clinical testing. Allele origin: germline.

GeneDx
Classification: Uncertain significance. Last evaluated: 2017-01-17. Review status: criteria provided, single submitter. Criteria: GeneDx Variant Classification (06012015). Collection method: clinical testing. Allele origin: germline. Affected: yes.
Comment: A variant of uncertain significance has been identified in the GRIN2A gene. The E58K variant has not been published as a pathogenic variant, nor has it been reported as a benign variant to our knowledge. The E58K variant is not observed at a significant frequency in large population cohorts (Lek et al., 2016; 1000 Genomes Consortium et al., 2015; Exome Variant Server). The E58K variant is a non-conservative amino acid substitution, which is likely to impact secondary protein structure as these residues differ in polarity, charge, size and/or other properties. However, this substitution occurs at a position where amino acids with similar properties to Glutamic acid are tolerated across species. In silico analysis is inconsistent in its predictions as to whether or not the variant is damaging to the protein structure/function. Therefore, based on the currently available information, it is unclear whether this variant is a pathogenic variant or a rare benign variant.

NM_001134407.3(GRIN2A):c.172G>A (p.Glu58Lys)

Gene: GRIN2A (glutamate ionotropic receptor NMDA type subunit 2A; minus strand). Cytogenetic location: 16p13.2.
Variant type: single nucleotide variant.
Coding change: c.172G>A on transcript NM_001134407.3 (MANE Select); coding-DNA position 172, G replaced by A.
Protein change: p.Glu58Lys; replaces glutamic acid 58 with lysine.
Molecular consequence: missense variant.
Genome position (GRCh38, 1-based): chr16:10,180,240, C>T on the plus strand (G>A on the coding strand, the complement: GRIN2A is on the minus strand). VCF-style: chr16-10180240-C-T. GRCh37 (hg19) VCF-style: chr16-10274097-C-T.
Other names: c.172G>A, p.Glu58Lys (NM_000833.5, NM_001134408.2); short protein forms E58K.
Identifiers: ClinVar variation 379178 (VCV000379178.11), dbSNP rs143833346, ClinGen allele CA7897034.